The following is an entry in ClinVar:

NM_198578.4(LRRK2):c.3208A>C (p.Ile1070Leu)

Gene: LRRK2 (leucine rich repeat kinase 2; plus strand). Cytogenetic location: 12q12.
Variant type: single nucleotide variant.
Coding change: c.3208A>C on transcript NM_198578.4 (MANE Select); coding-DNA position 3208, A replaced by C.
Protein change: p.Ile1070Leu; replaces isoleucine 1070 with leucine.
Molecular consequence: missense variant.
Genome position (GRCh38, 1-based): chr12:40,298,354, A>C. VCF-style: chr12-40298354-A-C. GRCh37 (hg19) VCF-style: chr12-40692156-A-C.
Other names: short protein forms I1070L.
Identifiers: ClinVar variation 1728880 (VCV001728880.2), dbSNP rs2499745818, ClinGen allele CA384414586.

ClinVar aggregate classification (germline): Uncertain significance (1 of 4 stars; one submission).

Conditions:
Inborn genetic diseases. Identifiers: MedGen C0950123, MeSH D030342.

Submission:

Ambry Genetics
Classification: Uncertain significance for Inborn genetic diseases. Last evaluated: 2022-02-18. Review status: criteria provided, single submitter. Criteria: Ambry Variant Classification Scheme 2023. Collection method: clinical testing. Allele origin: germline.
Comment: The p.I1070L variant (also known as c.3208A>C), located in coding exon 24 of the LRRK2 gene, results from an A to C substitution at nucleotide position 3208. The isoleucine at codon 1070 is replaced by leucine, an amino acid with highly similar properties. This amino acid position is conserved. In addition, this alteration is predicted to be tolerated by in silico analysis. Since supporting evidence is limited at this time, the clinical significance of this alteration remains unclear.